The following is an entry in ClinVar:

ClinVar aggregate classification (germline): Uncertain significance (1 of 4 stars; one submission).

Submission:

Labcorp Genetics (formerly Invitae), Labcorp
Classification: Uncertain significance. Last evaluated: 2021-07-29. Review status: criteria provided, single submitter. Criteria: Invitae Variant Classification Sherloc (09022015). Collection method: clinical testing. Allele origin: germline.
Comment: In summary, the available evidence is currently insufficient to determine the role of this variant in disease. Therefore, it has been classified as a Variant of Uncertain Significance. Algorithms developed to predict the effect of missense changes on protein structure and function are either unavailable or do not agree on the potential impact of this missense change (SIFT: "Not Available"; PolyPhen-2: "Possibly Damaging"; Align-GVGD: "Not Available"). This variant has not been reported in the literature in individuals affected with HOXB13-related conditions. The frequency data for this variant in the population databases is not available, as this variant may be reported as separate entries in the ExAC database. This sequence change replaces alanine with phenylalanine at codon 49 of the HOXB13 protein (p.Ala49Phe). The alanine residue is moderately conserved and there is a moderate physicochemical difference between alanine and phenylalanine.

NM_006361.6(HOXB13):c.145_146delinsTT (p.Ala49Phe)

Gene: HOXB13 (homeobox B13; minus strand). Cytogenetic location: 17q21.32.
Variant type: Indel.
Coding change: c.145_146delinsTT on transcript NM_006361.6 (MANE Select); coding-DNA positions 145 to 146, GC replaced by TT.
Protein change: p.Ala49Phe; replaces alanine 49 with phenylalanine.
Molecular consequence: missense variant.
Genome position (GRCh38, 1-based): chr17:48,728,448-48,728,449, GC replaced by AA on the plus strand (GC replaced by TT on the coding strand, the reverse complement: HOXB13 is on the minus strand). VCF-style: chr17-48728448-GC-AA. GRCh37 (hg19) VCF-style: chr17-46805810-GC-AA.
Other names: short protein forms A49F.
Identifiers: ClinVar variation 1408017 (VCV001408017.8), dbSNP rs2143074743, ClinGen allele CA2573154113.